The following is an entry in ClinVar:

NM_001166114.2(PNPLA6):c.1530+11G>A

Gene: PNPLA6 (patatin like domain 6, lysophospholipase; plus strand). Cytogenetic location: 19p13.2.
Variant type: single nucleotide variant.
Coding change: c.1530+11G>A on transcript NM_001166114.2 (MANE Select); 11 bases into the intron after coding-DNA position 1530, G replaced by A.
Molecular consequence: intron variant.
Genome position (GRCh38, 1-based): chr19:7,542,939, G>A. VCF-style: chr19-7542939-G-A. GRCh37 (hg19) VCF-style: chr19-7607825-G-A.
Other names: c.1413+11G>A (NM_006702.5, NM_001166112.2, NM_001166113.1); c.1557+11G>A (NM_001166111.2).
Identifiers: ClinVar variation 509048 (VCV000509048.12), dbSNP rs184998637, ClinGen allele CA9139836.

ClinVar aggregate classification (germline): Benign/Likely benign. Review status: criteria provided, multiple submitters, no conflicts (2 of 4 stars). 4 submissions from 4 submitters: Benign (1); Likely benign (3). Last evaluated 2026-02-09.

Conditions:
Hereditary spastic paraplegia 39 (SPG39). Also called: SPASTIC PARAPLEGIA 39, AUTOSOMAL RECESSIVE; Spastic Paraplegia Type 39 (SPG39). Identifiers: Orphanet 139480, MedGen C2677586, MONDO:0012787, OMIM 612020.

Allele frequency attached by ClinVar (database versions not stated): gnomAD exomes 0.00007 and 0.00020; ExAC 0.00029; gnomAD 0.00080 and 0.00087; ESP Exome Variant Server 0.00092; 1000 Genomes Project 30x 0.00094; 1000 Genomes Project 0.00100; TOPMed 0.00103.
gnomAD v4.1: 232 of 1,613,784 alleles (0.014%); highest among the groups gnomAD compares: African/African-American, 0.26%; 2 homozygotes.

Submissions (4):

Women's Health and Genetics/Laboratory Corporation of America, LabCorp
Classification: Likely benign. Last evaluated: 2026-02-09. Review status: criteria provided, single submitter. Criteria: LabCorp Variant Classification Summary - May 2015. Collection method: clinical testing. Allele origin: germline.

Labcorp Genetics (formerly Invitae), Labcorp
Classification: Benign for Hereditary spastic paraplegia 39. Last evaluated: 2025-12-23. Review status: criteria provided, single submitter. Criteria: Invitae Variant Classification Sherloc (09022015). Collection method: clinical testing. Allele origin: germline.

Blueprint Genetics
Classification: Likely benign. Last evaluated: 2024-03-11. Review status: criteria provided, single submitter. Criteria: ACMG Guidelines, 2015. Collection method: clinical testing. Allele origin: germline.

GeneDx
Classification: Likely benign. Last evaluated: 2017-04-17. Review status: criteria provided, single submitter. Criteria: GeneDx Variant Classification (06012015). Collection method: clinical testing. Allele origin: germline. Affected: yes.
Comment: This variant is considered likely benign or benign based on one or more of the following criteria: it is a conservative change, it occurs at a poorly conserved position in the protein, it is predicted to be benign by multiple in silico algorithms, and/or has population frequency not consistent with disease.